The following is an entry in ClinVar:

ClinVar aggregate classification (germline): Likely benign (0 of 4 stars; one submission).

Conditions:
ZMYM6-related disorder. Also called: ZMYM6-related condition.

Allele frequency attached by ClinVar (database versions not stated): gnomAD exomes 0.00031; ExAC 0.00087; ESP Exome Variant Server 0.00269; gnomAD 0.00326; TOPMed 0.00367; 1000 Genomes Project 0.00379; 1000 Genomes Project 30x 0.00390.
gnomAD v4.1: 977 of 1,612,402 alleles (0.061%); highest among the groups gnomAD compares: African/African-American, 1.1%; 7 homozygotes.

Submission:

PreventionGenetics, part of Exact Sciences
Classification: Likely benign for ZMYM6-related condition. Last evaluated: 2019-05-06. Review status: no assertion criteria provided. Collection method: clinical testing. Allele origin: germline.
Comment: This variant is classified as likely benign based on ACMG/AMP sequence variant interpretation guidelines (Richards et al. 2015 PMID: 25741868, with internal and published modifications).

NM_007167.4(ZMYM6):c.1979A>G (p.Lys660Arg)

Gene: ZMYM6 (zinc finger MYM-type containing 6; minus strand). Cytogenetic location: 1p34.3.
Variant type: single nucleotide variant.
Coding change: c.1979A>G on transcript NM_007167.4 (MANE Select); coding-DNA position 1979, A replaced by G.
Protein change: p.Lys660Arg; replaces lysine 660 with arginine.
Molecular consequence: missense variant.
Genome position (GRCh38, 1-based): chr1:35,003,981, T>C on the plus strand (A>G on the coding strand, the complement: ZMYM6 is on the minus strand). VCF-style: chr1-35003981-T-C. GRCh37 (hg19) VCF-style: chr1-35469582-T-C.
Other names: short protein forms K660R.
Identifiers: ClinVar variation 3042312 (VCV003042312.2), dbSNP rs10158256, ClinGen allele CA756392.